The following is an entry in ClinVar:

ClinVar aggregate classification (germline): Uncertain significance. Review status: criteria provided, multiple submitters, no conflicts (2 of 4 stars). 2 submissions from 2 submitters: Uncertain significance (2). Last evaluated 2024-06-23.

Submissions (2):

Labcorp Genetics (formerly Invitae), Labcorp
Classification: Uncertain significance. Last evaluated: 2024-06-23. Review status: criteria provided, single submitter. Criteria: Invitae Variant Classification Sherloc (09022015). Collection method: clinical testing. Allele origin: germline.
Comment: This sequence change replaces glutamine, which is neutral and polar, with arginine, which is basic and polar, at codon 734 of the PRPF6 protein (p.Gln734Arg). This variant is not present in population databases (gnomAD no frequency). This variant has not been reported in the literature in individuals affected with PRPF6-related conditions. Advanced modeling of protein sequence and biophysical properties (such as structural, functional, and spatial information, amino acid conservation, physicochemical variation, residue mobility, and thermodynamic stability) performed at Invitae indicates that this missense variant is not expected to disrupt PRPF6 protein function with a negative predictive value of 80%. In summary, the available evidence is currently insufficient to determine the role of this variant in disease. Therefore, it has been classified as a Variant of Uncertain Significance.

Blueprint Genetics
Classification: Uncertain significance. Last evaluated: 2021-09-06. Review status: criteria provided, single submitter. Criteria: ACMG Guidelines, 2015. Collection method: clinical testing. Allele origin: germline.

NM_012469.4(PRPF6):c.2201A>G (p.Gln734Arg)

Gene: PRPF6 (pre-mRNA processing factor 6; plus strand). Cytogenetic location: 20q13.33.
Variant type: single nucleotide variant.
Coding change: c.2201A>G on transcript NM_012469.4 (MANE Select); coding-DNA position 2201, A replaced by G.
Protein change: p.Gln734Arg; replaces glutamine 734 with arginine.
Molecular consequence: missense variant.
Genome position (GRCh38, 1-based): chr20:64,027,154, A>G. VCF-style: chr20-64027154-A-G. GRCh37 (hg19) VCF-style: chr20-62658507-A-G.
Other names: short protein forms Q734R.
Identifiers: ClinVar variation 3684568 (VCV003684568.3).